The following is an entry in ClinVar:

ClinVar aggregate classification (germline): Uncertain significance (1 of 4 stars; one submission).

Allele frequency attached by ClinVar (database versions not stated): TOPMed below 0.00001; gnomAD 0.00001.
gnomAD v4.1: 1 of 1,613,646 alleles (0.000062%); highest among the groups gnomAD compares: Non-Finnish European, 0.000085%; no homozygotes.

Submission:

CeGaT Center for Human Genetics Tuebingen
Classification: Uncertain significance. Last evaluated: 2023-04-01. Review status: criteria provided, single submitter. Criteria: CeGaT Center For Human Genetics Tuebingen Variant Classification Criteria Version 2. Collection method: clinical testing. Allele origin: germline. Affected: yes. Observed: 2 variant alleles.
Comment: CHD1: PM2, PP2, PP3, BP5

NM_001270.4(CHD1):c.2839G>A (p.Val947Ile)

Gene: CHD1 (chromodomain helicase DNA binding protein 1; minus strand). Cytogenetic location: 5q15.
Variant type: single nucleotide variant.
Coding change: c.2839G>A on transcript NM_001270.4 (MANE Select); coding-DNA position 2839, G replaced by A.
Protein change: p.Val947Ile; replaces valine 947 with isoleucine.
Molecular consequence: missense variant. On other transcripts: non-coding transcript variant (2).
Genome position (GRCh38, 1-based): chr5:98,882,003, C>T on the plus strand (G>A on the coding strand, the complement: CHD1 is on the minus strand). VCF-style: chr5-98882003-C-T. GRCh37 (hg19) VCF-style: chr5-98217707-C-T.
Other names: c.2839G>A, p.Val947Ile (NM_001364113.3, NM_001376194.2); short protein forms V947I.
Identifiers: ClinVar variation 1879628 (VCV001879628.29), dbSNP rs1390491827, ClinGen allele CA360510813.